The following is an entry in ClinVar:

Conditions:
Breast-ovarian cancer, familial, susceptibility to, 1 (BROVCA1). Also called: BRCA1 Hereditary Breast and Ovarian Cancer; OVARIAN CANCER, SUSCEPTIBILITY TO. Identifiers: Orphanet 145, MedGen C2676676, MONDO:0011450, OMIM 604370. Disease mechanism: loss of function.

Submission:

Brotman Baty Institute, University of Washington
No classification provided (evidence only). Condition: Breast-ovarian cancer, familial 1. Review status: no classification provided. Collection method: in vitro. Allele origin: not applicable. Functional consequence: functionally_abnormal.
ClinVar note: "not provided" was previously submitted as the classification for the variant. However, the classification appeared to be based only on an observation of functional data so it was converted to no classification on 2025-07-30.

NM_007294.4(BRCA1):c.5510G>C (p.Trp1837Ser)

Gene: BRCA1 (BRCA1 DNA repair associated; minus strand). Cytogenetic location: 17q21.31.
Variant type: single nucleotide variant.
Coding change: c.5510G>C on transcript NM_007294.4 (MANE Select); coding-DNA position 5510, G replaced by C.
Protein change: p.Trp1837Ser; replaces tryptophan 1837 with serine.
Molecular consequence: missense variant. On other transcripts: 3 prime UTR variant (1), non-coding transcript variant (1).
Genome position (GRCh38, 1-based): chr17:43,045,760, C>G on the plus strand (G>C on the coding strand, the complement: BRCA1 is on the minus strand). VCF-style: chr17-43045760-C-G. GRCh37 (hg19) VCF-style: chr17-41197777-C-G.
Other names: c.5507G>C, p.Trp1836Ser (NM_001407613.1, NM_001407614.1, NM_001407615.1 and 14 more transcripts); c.5504G>C, p.Trp1835Ser (NM_001407632.1, NM_001407633.1, NM_001407634.1 and 13 more transcripts); c.5432G>C, p.Trp1811Ser (NM_001407654.1, NM_001407655.1, NM_001407652.1 and 1 more transcripts); c.5429G>C, p.Trp1810Ser (NM_001407656.1, NM_001407657.1, NM_001407658.1); c.5426G>C, p.Trp1809Ser (NM_001407659.1, NM_001407660.1, NM_001407661.1 and 2 more transcripts); c.5384G>C, p.Trp1795Ser (NM_001407673.1, NM_001407674.1, NM_001407675.1 and 8 more transcripts); c.5381G>C, p.Trp1794Ser (NM_001407681.1, NM_001407682.1, NM_001407683.1 and 6 more transcripts); c.5369G>C, p.Trp1790Ser (NM_001407692.1, NM_001407694.1, NM_001407695.1 and 12 more transcripts); and 74 more; short protein forms W1790S, W1837S, W1858S, W733S, W1683S, W1710S, W1724S, W1726S.
Identifiers: ClinVar variation 869000 (VCV000869000.3), dbSNP rs80357307, ClinGen allele CA10590296.